The following is an entry in ClinVar:

ClinVar aggregate classification (germline): Uncertain significance. Review status: criteria provided, multiple submitters, no conflicts (2 of 4 stars). 2 submissions from 2 submitters: Uncertain significance (2). Last evaluated 2025-08-13.

Conditions:
Multiple endocrine neoplasia, type 1 (MEN1). Also called: MEN I; WERMER SYNDROME; Endocrine adenomatosis multiple; MEN 1; MEA I. Identifiers: Orphanet 652, MedGen C0025267, MeSH D018761, MONDO:0007540, OMIM 131100.
Hereditary cancer-predisposing syndrome. Also called: Neoplastic Syndromes, Hereditary; Hereditary neoplastic syndrome; Tumor predisposition; Hereditary Cancer Syndrome. Identifiers: Orphanet 140162, MedGen C0027672, MeSH D009386, MONDO:0015356.

gnomAD v4.1: 1 of 1,614,186 alleles (0.000062%); highest among the groups gnomAD compares: Non-Finnish European, 0.000085%; no homozygotes.

Submissions (2):

Labcorp Genetics (formerly Invitae), Labcorp
Classification: Uncertain significance for Multiple endocrine neoplasia, type 1. Last evaluated: 2025-08-13. Review status: criteria provided, single submitter. Criteria: Invitae Variant Classification Sherloc (09022015). Collection method: clinical testing. Allele origin: germline.
Comment: This sequence change replaces asparagine, which is neutral and polar, with serine, which is neutral and polar, at codon 203 of the MEN1 protein (p.Asn203Ser). This variant is not present in population databases (gnomAD no frequency). This variant has not been reported in the literature in individuals affected with MEN1-related conditions. ClinVar contains an entry for this variant (Variation ID: 3294193). Invitae Evidence Modeling of protein sequence and biophysical properties (such as structural, functional, and spatial information, amino acid conservation, physicochemical variation, residue mobility, and thermodynamic stability) indicates that this missense variant is expected to disrupt MEN1 protein function with a positive predictive value of 95%. In summary, the available evidence is currently insufficient to determine the role of this variant in disease. Therefore, it has been classified as a Variant of Uncertain Significance.

Ambry Genetics
Classification: Uncertain significance for Hereditary cancer-predisposing syndrome. Last evaluated: 2024-03-25. Review status: criteria provided, single submitter. Criteria: Ambry Variant Classification Scheme 2023. Collection method: clinical testing. Allele origin: germline.
Comment: The p.N203S variant (also known as c.608A>G), located in coding exon 2 of the MEN1 gene, results from an A to G substitution at nucleotide position 608. The asparagine at codon 203 is replaced by serine, an amino acid with highly similar properties. This amino acid position is conserved. In addition, the in silico prediction for this alteration is inconclusive. Based on the available evidence, the clinical significance of this alteration remains unclear.

NM_001370259.2(MEN1):c.608A>G (p.Asn203Ser)

Gene: MEN1 (menin 1; minus strand). Cytogenetic location: 11q13.1.
Variant type: single nucleotide variant.
Coding change: c.608A>G on transcript NM_001370259.2 (MANE Select); coding-DNA position 608, A replaced by G.
Protein change: p.Asn203Ser; replaces asparagine 203 with serine.
Molecular consequence: missense variant. On other transcripts: non-coding transcript variant (4), intron variant (5).
Genome position (GRCh38, 1-based): chr11:64,807,937, T>C on the plus strand (A>G on the coding strand, the complement: MEN1 is on the minus strand). VCF-style: chr11-64807937-T-C. GRCh37 (hg19) VCF-style: chr11-64575409-T-C.
Other names: c.623A>G, p.Asn208Ser (NM_000244.4, NM_001407145.1, NM_001407150.1 and 5 more transcripts); c.608A>G, p.Asn203Ser (NM_001370251.2, NM_001370260.2, NM_001370261.2 and 7 more transcripts); c.549+59A>G (NM_001407148.1, NM_001407149.1, NM_001407151.1 and 2 more transcripts); short protein forms N203S, N208S.
Identifiers: ClinVar variation 3294193 (VCV003294193.2).
Genomic context (GRCh38, chr11:64,807,937, plus strand): 5'-GGAGGGAACAATACCCGCTCAGCCACACCGGCATTGACTGTCTGGCCCCTGCGGTCCTCG[T>C]TGCCCTTGCCGTGCCAGGTGACCTCAGCTGTCTGCTCCCCATTGGGCCCAAACACTACCC-3'
Protein context (NP_001357188.2, residues 193-213): TAEVTWHGKG[Asn203Ser]EDRRGQTVNA